The following is an entry in ClinVar:

ClinVar aggregate classification (germline): Likely benign (0 of 4 stars; one submission).

Conditions:
RELN-related disorder. Also called: RELN-related condition.

Allele frequency attached by ClinVar (database versions not stated): gnomAD exomes 0.00005; gnomAD 0.00019.

Submission:

PreventionGenetics, part of Exact Sciences
Classification: Likely benign for RELN-related condition. Last evaluated: 2021-10-04. Review status: no assertion criteria provided. Collection method: clinical testing. Allele origin: germline.
Comment: This variant is classified as likely benign based on ACMG/AMP sequence variant interpretation guidelines (Richards et al. 2015 PMID: 25741868, with internal and published modifications).

NM_005045.4(RELN):c.5211-25_5211-24insG

Gene: RELN (reelin; minus strand). Cytogenetic location: 7q22.1.
Variant type: Insertion.
Coding change: c.5211-25_5211-24insG on transcript NM_005045.4 (MANE Select); 25 bases into the intron before coding-DNA position 5211 through 24 bases into the intron before coding-DNA position 5211, G inserted.
Molecular consequence: intron variant.
Genome position: GRCh38 VCF-style: chr7-103561977-A-AC. GRCh37 (hg19) VCF-style: chr7-103202424-A-AC.
Other names: c.5211-25_5211-24insG (NM_173054.3).
Identifiers: ClinVar variation 3042517 (VCV003042517.2), dbSNP rs553177267, ClinGen allele CA576944143.